The following is an entry in ClinVar:

NM_003590.5(CUL3):c.*2945G>C

Gene: CUL3 (cullin 3; minus strand). Cytogenetic location: 2q36.2.
Variant type: single nucleotide variant.
Coding change: c.*2945G>C on transcript NM_003590.5 (MANE Select); 2945 bases downstream of the stop codon, G replaced by C.
Molecular consequence: 3 prime UTR variant.
Genome position (GRCh38, 1-based): chr2:224,471,300, C>G on the plus strand (G>C on the coding strand, the complement: CUL3 is on the minus strand). VCF-style: chr2-224471300-C-G. GRCh37 (hg19) VCF-style: chr2-225336017-C-G.
Other names: c.*2945G>C (NM_001257197.2, NM_001257198.2).
Identifiers: ClinVar variation 334586 (VCV000334586.30), dbSNP rs41529948, ClinGen allele CA10614359.
Genomic context (GRCh38, chr2:224,471,300, plus strand): 5'-AATATACCATATACTCTATAAAAAATTATTCTATGAAAGTCTTAAGTTACAGTAGACAGG[C>G]AAAGATAAAAATCTTTAACACTAGTTACTGAAAATGAGTATCTTAAACTGTAAACATTAA-3'

ClinVar aggregate classification (germline): Benign. Review status: criteria provided, multiple submitters, no conflicts (2 of 4 stars). 2 submissions from 2 submitters: Benign (2). Last evaluated 2022-10-01.

Conditions:
Pseudohypoaldosteronism type 2E (PHA2E). Also called: Pseudohypoaldosteronism Type IIE. Identifiers: Orphanet 300530, Orphanet 757, MedGen C3469606, MONDO:0013782, OMIM 614496.

Allele frequency attached by ClinVar (database versions not stated): 1000 Genomes Project 0.00220; 1000 Genomes Project 30x 0.00297; gnomAD 0.00414 and 0.00430; TOPMed 0.00438; gnomAD exomes 0.00499.
gnomAD v4.1: 903 of 204,628 alleles (0.44%); highest among the groups gnomAD compares: Non-Finnish European, 0.69%; 3 homozygotes.

Submissions (2):

CeGaT Center for Human Genetics Tuebingen
Classification: Benign. Last evaluated: 2022-10-01. Review status: criteria provided, single submitter. Criteria: CeGaT Center For Human Genetics Tuebingen Variant Classification Criteria Version 2. Collection method: clinical testing. Allele origin: germline. Affected: yes. Observed: 5 variant alleles.
Comment: CUL3: BS1, BS2

Illumina Laboratory Services, Illumina
Classification: Benign for Pseudohypoaldosteronism type 2E. Last evaluated: 2018-01-12. Review status: criteria provided, single submitter. Criteria: ICSL Variant Classification Criteria 13 December 2019. Collection method: clinical testing. Allele origin: germline.
Comment: This variant was observed in the ICSL laboratory as part of a predisposition screen in an ostensibly healthy population. It had not been previously curated by ICSL or reported in the Human Gene Mutation Database (HGMD: prior to June 1st, 2018), and was therefore a candidate for classification through an automated scoring system. Utilizing variant allele frequency, disease prevalence and penetrance estimates, and inheritance mode, an automated score was calculated to assess if this variant is too frequent to cause the disease. Based on the score and internal cut-off values, a variant classified as benign is not then subjected to further curation. The score for this variant resulted in a classification of benign for this disease.